The following is an entry in ClinVar:

NM_022436.3(ABCG5):c.1188G>C (p.Met396Ile)

Genes: ABCG5 (ATP binding cassette subfamily G member 5; minus strand), DYNC2LI1 (dynein cytoplasmic 2 light intermediate chain 1; plus strand). Cytogenetic location: 2p21.
Variant type: single nucleotide variant.
Coding change: c.1188G>C on transcript NM_022436.3 (MANE Select); coding-DNA position 1188, G replaced by C.
Protein change: p.Met396Ile; replaces methionine 396 with isoleucine.
Molecular consequence: missense variant. On other transcripts: intron variant (2).
Genome position (GRCh38, 1-based): chr2:43,824,049, C>G on the plus strand (G>C on the coding strand, the complement: ABCG5 is on the minus strand). VCF-style: chr2-43824049-C-G. GRCh37 (hg19) VCF-style: chr2-44051188-C-G.
Other names: c.*16-3337C>G (NM_001348913.2, NM_001348912.2); short protein forms M396I.
Identifiers: ClinVar variation 2123151 (VCV002123151.4), dbSNP rs2466001850, ClinGen allele CA346664309.

ClinVar aggregate classification (germline): Uncertain significance (1 of 4 stars; one submission).

Conditions:
Sitosterolemia (STSL). Also called: PHYTOSTEROLEMIA. Identifiers: Orphanet 2882, MedGen C0342907, MONDO:0008863.

Allele frequency attached by ClinVar (database versions not stated): gnomAD exomes below 0.00001.
gnomAD v4.1: 1 of 1,614,200 alleles (0.000062%); highest among the groups gnomAD compares: South Asian, 0.0011%; no homozygotes.

Submission:

Labcorp Genetics (formerly Invitae), Labcorp
Classification: Uncertain significance for Sitosterolemia. Last evaluated: 2022-04-08. Review status: criteria provided, single submitter. Criteria: Invitae Variant Classification Sherloc (09022015). Collection method: clinical testing. Allele origin: germline.
Comment: This sequence change replaces methionine, which is neutral and non-polar, with isoleucine, which is neutral and non-polar, at codon 396 of the ABCG5 protein (p.Met396Ile). In summary, the available evidence is currently insufficient to determine the role of this variant in disease. Therefore, it has been classified as a Variant of Uncertain Significance. Algorithms developed to predict the effect of missense changes on protein structure and function (SIFT, PolyPhen-2, Align-GVGD) all suggest that this variant is likely to be tolerated. This variant has not been reported in the literature in individuals affected with ABCG5-related conditions. This variant is not present in population databases (gnomAD no frequency).